The following is an entry in ClinVar:

ClinVar aggregate classification (germline): Benign/Likely benign. Review status: criteria provided, multiple submitters, no conflicts (2 of 4 stars). 2 submissions from 2 submitters: Benign (1); Likely benign (1). Last evaluated 2025-04-19.

Conditions:
Familial adenomatous polyposis 1 (FAP1). Also called: POLYPOSIS, ADENOMATOUS INTESTINAL; FAMILIAL ADENOMATOUS POLYPOSIS 1, ATTENUATED. Identifiers: MedGen C2713442, MONDO:0021056, OMIM 175100. Disease mechanism: loss of function.
Hereditary cancer-predisposing syndrome. Also called: Neoplastic Syndromes, Hereditary; Tumor predisposition; Hereditary neoplastic syndrome; Hereditary Cancer Syndrome. Identifiers: Orphanet 140162, MedGen C0027672, MeSH D009386, MONDO:0015356.

Submissions (2):

Ambry Genetics
Classification: Likely benign for Hereditary cancer-predisposing syndrome. Last evaluated: 2025-04-19. Review status: criteria provided, single submitter. Criteria: Ambry Variant Classification Scheme 2023. Collection method: clinical testing. Allele origin: germline.

Myriad Genetics, Inc.
Classification: Benign for Familial adenomatous polyposis 1. Last evaluated: 2024-02-26. Review status: criteria provided, single submitter. Criteria: Myriad Autosomal Dominant, Autosomal Recessive and X-Linked Classification Criteria (2023). Collection method: clinical testing. Allele origin: unknown.
Comment: This variant is considered benign. This variant is a silent/synonymous amino acid change and it is not expected to impact splicing.

NM_000038.6(APC):c.612A>G (p.Leu204=)

Gene: APC (APC regulator of Wnt signaling pathway; plus strand). Cytogenetic location: 5q22.2.
Variant type: single nucleotide variant.
Coding change: c.612A>G on transcript NM_000038.6 (MANE Select); coding-DNA position 612, A replaced by G.
Protein change: p.Leu204=; no amino-acid change (leucine 204 retained).
Molecular consequence: synonymous variant. On other transcripts: 5 prime UTR variant (4), non-coding transcript variant (2).
Genome position (GRCh38, 1-based): chr5:112,780,870, A>G. VCF-style: chr5-112780870-A-G. GRCh37 (hg19) VCF-style: chr5-112116567-A-G.
Other names: c.612A>G, p.Leu204= (NM_001127510.3, NM_001354895.2, NM_001354896.2 and 16 more transcripts); c.642A>G, p.Leu214= (NM_001127511.3, NM_001354897.2, NM_001354902.2 and 1 more transcripts); c.537A>G, p.Leu179= (NM_001354898.2, NM_001354904.2, NM_001407451.1); c.435A>G, p.Leu145= (NM_001354900.2, NM_001354901.2, NM_001354905.2 and 1 more transcripts); c.-424A>G (NM_001354906.2, NM_001407470.1, NM_001407471.1 and 1 more transcripts); c.612A>G (NM_000038.5).
Identifiers: ClinVar variation 3148832 (VCV003148832.2), dbSNP rs1758254572, ClinGen allele CA445755515.